The following is an entry in ClinVar:

NM_000070.3(CAPN3):c.264_265del (p.Phe88fs)

Gene: CAPN3 (calpain 3; plus strand). Cytogenetic location: 15q15.1.
Variant type: Deletion.
Coding change: c.264_265del on transcript NM_000070.3 (MANE Select); coding-DNA positions 264 to 265, 2 bases deleted (TT; older notation c.264_265delTT).
Protein change: p.Phe88fs; shifts the reading frame from phenylalanine 88.
Molecular consequence: frameshift variant.
Genome position (GRCh38, 1-based): chr15:42,360,069-42,360,070, TT deleted; deleting any 2 consecutive bases within chr15:42,360,067-42,360,070 gives the same sequence; the c. name uses the placement nearest the transcript's 3' end. VCF-style (leftmost placement, unchanged base first): chr15-42360066-CTT-C. GRCh37 (hg19) VCF-style: chr15-42652264-CTT-C.
Other names: c.264_265del, p.Phe88fs (NM_024344.2, NM_173087.2); short protein forms F88fs.
Identifiers: ClinVar variation 1457417 (VCV001457417.8), dbSNP rs2141102811, ClinGen allele CA2573150743.

ClinVar aggregate classification (germline): Pathogenic (1 of 4 stars; one submission).

Conditions:
Autosomal recessive limb-girdle muscular dystrophy type 2A (LGMDR1). Also called: Limb-girdle muscular dystrophy, type 2A; LEYDEN-MOEBIUS MUSCULAR DYSTROPHY; MUSCULAR DYSTROPHY, PELVOFEMORAL; Calpainopathy; Muscular dystrophy, limb-girdle, type 2A, Amish. Identifiers: Orphanet 267, MedGen C1869123, MONDO:0009675, OMIM 253600. Disease mechanism: loss of function.

Submission:

Labcorp Genetics (formerly Invitae), Labcorp
Classification: Pathogenic for Autosomal recessive limb-girdle muscular dystrophy type 2A. Last evaluated: 2024-03-25. Review status: criteria provided, single submitter. Criteria: Invitae Variant Classification Sherloc (09022015). Collection method: clinical testing. Allele origin: germline.
Comment: This sequence change creates a premature translational stop signal (p.Phe88Leufs*2) in the CAPN3 gene. It is expected to result in an absent or disrupted protein product. Loss-of-function variants in CAPN3 are known to be pathogenic (PMID: 10330340, 15689361). This variant is not present in population databases (gnomAD no frequency). This premature translational stop signal has been observed in individual(s) with clinical features of limb-girdle muscular dystrophy (PMID: 28403181). ClinVar contains an entry for this variant (Variation ID: 1457417). For these reasons, this variant has been classified as Pathogenic.

Literature cited by the submitters: PubMed 10330340; PubMed 15689361; PubMed 28403181.